The following is an entry in ClinVar:

NC_000003.11:g.(?_8775553)_(8787563_?)dup

Genes: CAV3 (caveolin 3; plus strand), OXTR (oxytocin receptor; minus strand). Cytogenetic location: 3p25.3.
Variant type: Duplication.
Identifiers: ClinVar variation 648527 (VCV000648527.1).

ClinVar aggregate classification (germline): Uncertain significance (1 of 4 stars; one submission).

Conditions:
Long QT syndrome (LQTS). Identifiers: MedGen C0023976, MeSH D008133, MONDO:0002442. Disease mechanism: loss of function. Inheritance: Various modes of inheritance.

Submission:

Labcorp Genetics (formerly Invitae), Labcorp
Classification: Uncertain significance for Long QT syndrome. Last evaluated: 2018-12-05. Review status: criteria provided, single submitter. Criteria: Invitae Variant Classification Sherloc (09022015). Collection method: clinical testing. Allele origin: germline.
Comment: This variant results in a copy number gain of the genomic region encompassing the full coding sequence of the CAV3 gene. The boundaries of this event are unknown as they extend beyond the assayed region for this gene and therefore may encompass additional genes. As the precise location of this event is unknown, it may be in tandem or it may be located elsewhere in the genome. This variant has not been reported in the literature in individuals with CAV3-related conditions. In summary, the available evidence is currently insufficient to determine the role of this variant in disease. Therefore, it has been classified as a Variant of Uncertain Significance.